The following is an entry in ClinVar:

NM_001037333.3(CYFIP2):c.3251G>A (p.Arg1084Gln)

Genes: CYFIP2 (cytoplasmic FMR1 interacting protein 2; plus strand), NIPAL4-DT (NIPAL4 divergent transcript; minus strand). Cytogenetic location: 5q33.3.
Variant type: single nucleotide variant.
Coding change: c.3251G>A on transcript NM_001037333.3 (MANE Select); coding-DNA position 3251, G replaced by A.
Protein change: p.Arg1084Gln; replaces arginine 1084 with glutamine.
Molecular consequence: missense variant.
Genome position (GRCh38, 1-based): chr5:157,389,232, G>A. VCF-style: chr5-157389232-G-A. GRCh37 (hg19) VCF-style: chr5-156816240-G-A.
Other names: c.3173G>A, p.Arg1058Gln (NM_001291721.2); c.3326G>A, p.Arg1109Gln (NM_001291722.2); c.3251G>A, p.Arg1084Gln (NM_014376.4); short protein forms R1084Q, R1058Q, R1109Q.
Identifiers: ClinVar variation 3668159 (VCV003668159.2).

ClinVar aggregate classification (germline): Uncertain significance (1 of 4 stars; one submission).

gnomAD v4.1: 1 of 1,613,864 alleles (0.000062%); highest among the groups gnomAD compares: Non-Finnish European, 0.000085%; no homozygotes.

Submission:

Labcorp Genetics (formerly Invitae), Labcorp
Classification: Uncertain significance. Last evaluated: 2024-06-24. Review status: criteria provided, single submitter. Criteria: Invitae Variant Classification Sherloc (09022015). Collection method: clinical testing. Allele origin: germline.
Comment: This sequence change replaces arginine, which is basic and polar, with glutamine, which is neutral and polar, at codon 1084 of the CYFIP2 protein (p.Arg1084Gln). This variant is not present in population databases (gnomAD no frequency). This variant has not been reported in the literature in individuals affected with CYFIP2-related conditions. Experimental studies and prediction algorithms are not available or were not evaluated, and the functional significance of this variant is currently unknown. In summary, the available evidence is currently insufficient to determine the role of this variant in disease. Therefore, it has been classified as a Variant of Uncertain Significance.